The following is an entry in ClinVar:

NM_014055.4(IFT81):c.1853T>G (p.Leu618Arg)

Gene: IFT81 (intraflagellar transport 81; plus strand). Cytogenetic location: 12q24.11.
Variant type: single nucleotide variant.
Coding change: c.1853T>G on transcript NM_014055.4 (MANE Select); coding-DNA position 1853, T replaced by G.
Protein change: p.Leu618Arg; replaces leucine 618 with arginine.
Molecular consequence: missense variant. On other transcripts: non-coding transcript variant (4).
Genome position (GRCh38, 1-based): chr12:110,218,048, T>G. VCF-style: chr12-110218048-T-G. GRCh37 (hg19) VCF-style: chr12-110655853-T-G.
Other names: c.1853T>G, p.Leu618Arg (NM_001143779.2); c.923T>G, p.Leu308Arg (NM_001347947.2, NM_001347948.2); short protein forms L618R, L308R.
Identifiers: ClinVar variation 1510189 (VCV001510189.7), dbSNP rs765349119, ClinGen allele CA6783522.

ClinVar aggregate classification (germline): Uncertain significance. Review status: criteria provided, multiple submitters, no conflicts (2 of 4 stars). 2 submissions from 2 submitters: Uncertain significance (2). Last evaluated 2021-10-18.

Allele frequency attached by ClinVar (database versions not stated): gnomAD exomes 0.00002; ExAC 0.00004.
gnomAD v4.1: 29 of 1,594,674 alleles (0.0018%); highest among the groups gnomAD compares: Non-Finnish European, 0.0025%; no homozygotes.

Submissions (2):

Blueprint Genetics
Classification: Uncertain significance. Last evaluated: 2021-10-18. Review status: criteria provided, single submitter. Criteria: ACMG Guidelines, 2015. Collection method: clinical testing. Allele origin: germline.

Labcorp Genetics (formerly Invitae), Labcorp
Classification: Uncertain significance. Last evaluated: 2021-10-06. Review status: criteria provided, single submitter. Criteria: Invitae Variant Classification Sherloc (09022015). Collection method: clinical testing. Allele origin: germline.
Comment: This sequence change replaces leucine with arginine at codon 618 of the IFT81 protein (p.Leu618Arg). The leucine residue is highly conserved and there is a moderate physicochemical difference between leucine and arginine. This variant is present in population databases (rs765349119, ExAC 0.008%). This variant has not been reported in the literature in individuals affected with IFT81-related conditions. Algorithms developed to predict the effect of missense changes on protein structure and function are either unavailable or do not agree on the potential impact of this missense change (SIFT: "Deleterious"; PolyPhen-2: "Probably Damaging"; Align-GVGD: "Class C0"). In summary, the available evidence is currently insufficient to determine the role of this variant in disease. Therefore, it has been classified as a Variant of Uncertain Significance.